The following is an entry in ClinVar:

ClinVar aggregate classification (germline): Pathogenic. Review status: criteria provided, multiple submitters, no conflicts (2 of 4 stars). 3 submissions from 3 submitters: Pathogenic (2). 1 of the submissions does not count toward it. Last evaluated 2025-03-26.

Conditions:
Severe combined immunodeficiency due to CORO1A deficiency. Also called: Immunodeficiency 8; IMMUNODEFICIENCY 8 WITH LYMPHOPROLIFERATION. Identifiers: Orphanet 228003, MedGen C3809383, MONDO:0014168, OMIM 615401.
Combined immunodeficiency due to LRBA deficiency. Also called: Common variable immunodeficiency 8, with autoimmunity. Identifiers: Orphanet 445018, MedGen C3553512, MONDO:0013863, OMIM 614700.

Allele frequency attached by ClinVar (database versions not stated): gnomAD exomes below 0.00001; gnomAD 0.00001 and 0.00003; TOPMed 0.00001; ExAC 0.00002.
gnomAD v4.1: 7 of 1,600,750 alleles (0.00044%); highest among the groups gnomAD compares: Admixed American, 0.0017%; no homozygotes.

Submissions (3):

GeneDx
Classification: Pathogenic. Last evaluated: 2025-03-26. Review status: criteria provided, single submitter. Criteria: GeneDx Variant Classification Process June 2021. Collection method: clinical testing. Allele origin: germline. Affected: yes.
Comment: Nonsense variant predicted to result in protein truncation or nonsense mediated decay in a gene for which loss of function is a known mechanism of disease; This variant is associated with the following publications: (PMID: 26768763, 31156616, 26206937, 33083013)

CENTOGENE GmbH and LLC - Guiding Precision Medicine
Classification: Pathogenic for Immunodeficiency type 8. Review status: criteria provided, single submitter. Criteria: ACMG Guidelines, 2015. Collection method: clinical testing. Allele origin: germline. Affected: yes.

Department of Pediatric Immunology and Leukocyte Biology,  National Institute of Immunohaematology (NIIH), Indian Council of Medical Research (ICMR)
Classification: Pathogenic for Combined immunodeficiency due to LRBA deficiency. Review status: no assertion criteria provided. Collection method: research. Allele origin: germline. Inheritance: Autosomal recessive inheritance. Affected: yes. Observed: 1 homozygote. Not counted in ClinVar's aggregate classification.
Comment: The Arg1445Ter variant in LRBA is Not observed at significant frequency in large population cohorts (gnomAD); Nonsense variant predicted to result in protein truncation or nonsense mediated decay in a gene for which loss-of-function is a known mechanism of disease. This variant is associated with the following publications: (Gámez-Díaz L. The extended phenotype of LPS-responsive beige-like anchor protein (LRBA) deficiency. J Allergy Clin Immunol. 2016). In summary, the variant has been hence classified as pathogenic.

Literature cited by the submitters: PubMed 26768763 (cited by Department of Pediatric Immunology and Leukocyte Biology,  National Institute of Immunohaematology (NIIH), Indian Council of Medical Research (ICMR)).

NM_001364905.1(LRBA):c.4333C>T (p.Arg1445Ter)

Gene: LRBA (LPS responsive beige-like anchor protein; minus strand). Cytogenetic location: 4q31.3.
Variant type: single nucleotide variant.
Coding change: c.4333C>T on transcript NM_001364905.1 (MANE Select); coding-DNA position 4333, C replaced by T.
Protein change: p.Arg1445Ter; replaces arginine 1445 with a stop codon.
Molecular consequence: nonsense.
Genome position (GRCh38, 1-based): chr4:150,848,824, G>A on the plus strand (C>T on the coding strand, the complement: LRBA is on the minus strand). VCF-style: chr4-150848824-G-A. GRCh37 (hg19) VCF-style: chr4-151769976-G-A.
Other names: c.4333C>T, p.Arg1445Ter (NM_001199282.3, NM_001367550.1, NM_006726.5); short protein forms R1445*.
Identifiers: ClinVar variation 973590 (VCV000973590.4), dbSNP rs764745197, ClinGen allele CA3102832.